The following is an entry in ClinVar:

NM_004820.5(CYP7B1):c.928C>T (p.Arg310Trp)

Gene: CYP7B1 (cytochrome P450 family 7 subfamily B member 1; minus strand). Cytogenetic location: 8q12.3.
Variant type: single nucleotide variant.
Coding change: c.928C>T on transcript NM_004820.5 (MANE Select); coding-DNA position 928, C replaced by T.
Protein change: p.Arg310Trp; replaces arginine 310 with tryptophan.
Molecular consequence: missense variant.
Genome position (GRCh38, 1-based): chr8:64,615,155, G>A on the plus strand (C>T on the coding strand, the complement: CYP7B1 is on the minus strand). VCF-style: chr8-64615155-G-A. GRCh37 (hg19) VCF-style: chr8-65527712-G-A.
Other names: c.928C>T, p.Arg310Trp (NM_001324112.2); short protein forms R310W.
Identifiers: ClinVar variation 597478 (VCV000597478.7), dbSNP rs746439960, ClinGen allele CA4764111.

ClinVar aggregate classification (germline): Uncertain significance. Review status: criteria provided, multiple submitters, no conflicts (2 of 4 stars). 2 submissions from 2 submitters: Uncertain significance (2). Last evaluated 2022-10-05.

Conditions:
Spastic paraplegia. Identifiers: MedGen C0037772, HP:0001258.

Allele frequency attached by ClinVar (database versions not stated): gnomAD 0.00004; ExAC 0.00001; gnomAD exomes 0.00002; TOPMed 0.00003.
gnomAD v4.1: 31 of 1,613,560 alleles (0.0019%); highest among the groups gnomAD compares: Middle Eastern, 0.017%; no homozygotes.

Submissions (2):

Labcorp Genetics (formerly Invitae), Labcorp
Classification: Uncertain significance for Spastic paraplegia. Last evaluated: 2022-10-05. Review status: criteria provided, single submitter. Criteria: Invitae Variant Classification Sherloc (09022015). Collection method: clinical testing. Allele origin: germline.
Comment: This sequence change replaces arginine, which is basic and polar, with tryptophan, which is neutral and slightly polar, at codon 310 of the CYP7B1 protein (p.Arg310Trp). This variant is present in population databases (rs746439960, gnomAD 0.007%). This variant has not been reported in the literature in individuals affected with CYP7B1-related conditions. ClinVar contains an entry for this variant (Variation ID: 597478). Advanced modeling of protein sequence and biophysical properties (such as structural, functional, and spatial information, amino acid conservation, physicochemical variation, residue mobility, and thermodynamic stability) performed at Invitae indicates that this missense variant is not expected to disrupt CYP7B1 protein function. Algorithms developed to predict the effect of sequence changes on RNA splicing suggest that this variant may disrupt the consensus splice site. In summary, the available evidence is currently insufficient to determine the role of this variant in disease. Therefore, it has been classified as a Variant of Uncertain Significance.

Eurofins Ntd Llc (ga)
Classification: Uncertain significance. Last evaluated: 2018-06-07. Review status: criteria provided, single submitter. Criteria: EGL ClinVar v180209 classification definitions. Collection method: clinical testing. Allele origin: germline. Observed: 1 variant allele, 1 heterozygote.